The following is an entry in ClinVar:

NM_152564.5(VPS13B):c.4634C>G (p.Ala1545Gly)

Gene: VPS13B (vacuolar protein sorting 13 homolog B; plus strand). Cytogenetic location: 8q22.2.
Variant type: single nucleotide variant.
Coding change: c.4634C>G on transcript NM_152564.5 (MANE Select); coding-DNA position 4634, C replaced by G.
Protein change: p.Ala1545Gly; replaces alanine 1545 with glycine.
Molecular consequence: missense variant.
Genome position (GRCh38, 1-based): chr8:99,520,899, C>G. VCF-style: chr8-99520899-C-G. GRCh37 (hg19) VCF-style: chr8-100533127-C-G.
Other names: c.4709C>G, p.Ala1570Gly (NM_017890.5); c.4709C>G (NM_017890.4); short protein forms A1545G, A1570G.
Identifiers: ClinVar variation 1441271 (VCV001441271.6), dbSNP rs1319725217, ClinGen allele CA371866376.

ClinVar aggregate classification (germline): Uncertain significance. Review status: criteria provided, single submitter (1 of 4 stars). 2 submissions from 2 submitters: Uncertain significance (1). 1 of the submissions does not count toward it. Last evaluated 2021-09-17.

Conditions:
Cohen syndrome (COH1). Also called: PEPPER SYNDROME; Cutis verticis gyrata, retinitis pigmentosa, and sensorineural deafness. Identifiers: Orphanet 193, MedGen C0265223, MONDO:0008999, OMIM 216550.

Allele frequency attached by ClinVar (database versions not stated): gnomAD exomes below 0.00001; TOPMed 0.00001.
gnomAD v4.1: 2 of 1,613,074 alleles (0.00012%); highest among the groups gnomAD compares: Admixed American, 0.0033%; no homozygotes.

Submissions (2):

Labcorp Genetics (formerly Invitae), Labcorp
Classification: Uncertain significance for Cohen syndrome. Last evaluated: 2021-09-17. Review status: criteria provided, single submitter. Criteria: Invitae Variant Classification Sherloc (09022015). Collection method: clinical testing. Allele origin: germline.
Comment: This sequence change replaces alanine with glycine at codon 1570 of the VPS13B protein (p.Ala1570Gly). The alanine residue is weakly conserved and there is a small physicochemical difference between alanine and glycine. This variant is not present in population databases (ExAC no frequency). This variant has not been reported in the literature in individuals affected with VPS13B-related conditions. Algorithms developed to predict the effect of missense changes on protein structure and function are either unavailable or do not agree on the potential impact of this missense change (SIFT: "Not Available"; PolyPhen-2: "Benign"; Align-GVGD: "Not Available"). Algorithms developed to predict the effect of sequence changes on RNA splicing suggest that this variant may create or strengthen a splice site. In summary, the available evidence is currently insufficient to determine the role of this variant in disease. Therefore, it has been classified as a Variant of Uncertain Significance.

Natera, Inc.
Classification: Uncertain significance for Cohen syndrome. Last evaluated: 2025-02-04. Review status: no assertion criteria provided. Collection method: clinical testing. Allele origin: germline. Not counted in ClinVar's aggregate classification.